The following is an entry in ClinVar:

ClinVar aggregate classification (germline): Benign. Review status: criteria provided, multiple submitters, no conflicts (2 of 4 stars). 4 submissions from 4 submitters: Benign (3). 1 of the submissions does not count toward it. Last evaluated 2026-01-25.

Conditions:
Aromatase deficiency. Also called: Increased aromatase activity; PSEUDOHERMAPHRODITISM, FEMALE, DUE TO PLACENTAL AROMATASE DEFICIENCY. Identifiers: Orphanet 91, MedGen C1960539, MONDO:0013301, OMIM 613546.
CYP19A1-related disorder. Also called: CYP19A1-related condition.

Allele frequency attached by ClinVar (database versions not stated): gnomAD exomes 0.00050 and 0.00145; ExAC 0.00169; 1000 Genomes Project 0.00519; gnomAD 0.00582 and 0.00627; 1000 Genomes Project 30x 0.00593; TOPMed 0.00653; ESP Exome Variant Server 0.00678.
gnomAD v4.1: 1,649 of 1,607,464 alleles (0.1%); highest among the groups gnomAD compares: African/African-American, 2%; 19 homozygotes.

Submissions (4):

Labcorp Genetics (formerly Invitae), Labcorp
Classification: Benign. Last evaluated: 2026-01-25. Review status: criteria provided, single submitter. Criteria: Invitae Variant Classification Sherloc (09022015). Collection method: clinical testing. Allele origin: germline.

GeneDx
Classification: Benign. Last evaluated: 2020-04-15. Review status: criteria provided, single submitter. Criteria: GeneDx Variant Classification Process June 2021. Collection method: clinical testing. Allele origin: germline. Affected: yes.

Illumina Laboratory Services, Illumina
Classification: Benign for Aromatase deficiency. Last evaluated: 2017-05-11. Review status: criteria provided, single submitter. Criteria: ICSL Variant Classification Criteria 13 December 2019. Collection method: clinical testing. Allele origin: germline.
Comment: This variant was observed as part of a predisposition screen in an ostensibly healthy population. A literature search was performed for the gene, cDNA change, and amino acid change (where applicable). Publications were found based on this search. The evidence from the literature, in combination with allele frequency data from public databases where available, was sufficient to rule this variant out of causing disease. Therefore, this variant is classified as benign.

PreventionGenetics, part of Exact Sciences
Classification: Benign for CYP19A1-related condition. Last evaluated: 2019-10-14. Review status: no assertion criteria provided. Collection method: clinical testing. Allele origin: germline. Not counted in ClinVar's aggregate classification.
Comment: This variant is classified as benign based on ACMG/AMP sequence variant interpretation guidelines (Richards et al. 2015 PMID: 25741868, with internal and published modifications).

Literature cited by the submitters: PubMed 25415177 (cited by Illumina Laboratory Services, Illumina).

NM_000103.4(CYP19A1):c.42C>G (p.Thr14=)

Genes: CYP19A1 (cytochrome P450 family 19 subfamily A member 1; minus strand), PIRC66 (piwi-interacting RNA cluster 66; plus strand), MIR4713HG (MIR4713 host gene; plus strand), LOC110386951 (CYP19A1 promoter II/1.3; plus strand). Cytogenetic location: 15q21.2.
Variant type: single nucleotide variant.
Coding change: c.42C>G on transcript NM_000103.4 (MANE Select); coding-DNA position 42, C replaced by G.
Protein change: p.Thr14=; no amino-acid change (threonine 14 retained).
Molecular consequence: synonymous variant.
Genome position (GRCh38, 1-based): chr15:51,242,871, G>C on the plus strand (C>G on the coding strand, the complement: CYP19A1 is on the minus strand). VCF-style: chr15-51242871-G-C. GRCh37 (hg19) VCF-style: chr15-51535068-G-C.
Other names: c.42C>G, p.Thr14= (NM_001347248.1, NM_001347249.2, NM_001347250.2 and 7 more transcripts).
Identifiers: ClinVar variation 509947 (VCV000509947.20), dbSNP rs61203654, ClinGen allele CA7560179.
Genomic context (GRCh38, chr15:51,242,871, plus strand): 5'-AAGGCCAGTGAGGAGCAGGACTGGCATGGTGGCAGCAGGCATGGCTTCAGGCACGATGCT[G>C]GTGATGTTATAATGTATCGGGTTCAGCATTTCCAAAACCATCTTGTGTTCCTTGACCTCA-3'
Protein context (NP_000094.2, residues 4-24): EMLNPIHYNI[Thr14=]SIVPEAMPAA